The following is an entry in ClinVar:

NM_001122630.2(CDKN1C):c.417_420del (p.Val140fs)

Gene: CDKN1C (cyclin dependent kinase inhibitor 1C; minus strand). Cytogenetic location: 11p15.4.
Variant type: Deletion.
Coding change: c.417_420del on transcript NM_001122630.2 (MANE Select); coding-DNA positions 417 to 420, 4 bases deleted (AGTC; older notation c.417_420delAGTC).
Protein change: p.Val140fs; shifts the reading frame from valine 140.
Molecular consequence: frameshift variant. On other transcripts: intron variant (1).
Genome position (GRCh38, 1-based): chr11:2,885,037-2,885,040, GACT deleted on the plus strand (AGTC on the coding strand, the reverse complement: CDKN1C is on the minus strand); deleting any 4 consecutive bases within chr11:2,885,037-2,885,041 gives the same sequence; the c. name uses the placement nearest the transcript's 3' end. VCF-style (leftmost placement, unchanged base first): chr11-2885036-GGACT-G. GRCh37 (hg19) VCF-style: chr11-2906266-GGACT-G.
Other names: c.450_453del, p.Val151fs (NM_000076.2, NM_001362474.2); c.417_420del, p.Val140fs (NM_001122631.2); c.255+162_255+165del (NM_001362475.2); short protein forms V140fs, V151fs.
Identifiers: ClinVar variation 967596 (VCV000967596.7), dbSNP rs1848953740, ClinGen allele CA1139661758.
Genomic context (GRCh38, chr11:2,885,036, plus strand): 5'-GAGCCGCGACCGGAGCCGCGACCGGAGCCGGAGCCGGGGCCGGGGCTGGAGCCAGGACCG[GGACT>G]GGGGGCGGGGTGGACGCCGGGGCCGGGACCGGGACACTAGGCAGCTGCTCCGGCGCCTCC-3'

ClinVar aggregate classification (germline): Pathogenic (1 of 4 stars; one submission).

Conditions:
Beckwith-Wiedemann syndrome (BWS). Also called: Exomphalos macroglossia gigantism syndrome; EMG SYNDROME. Identifiers: Orphanet 116, MedGen C0004903, MONDO:0007534, OMIM 130650.

Submission:

Labcorp Genetics (formerly Invitae), Labcorp
Classification: Pathogenic for Beckwith-Wiedemann syndrome. Last evaluated: 2019-10-30. Review status: criteria provided, single submitter. Criteria: Invitae Variant Classification Sherloc (09022015). Collection method: clinical testing. Allele origin: germline.
Comment: For these reasons, this variant has been classified as Pathogenic. This sequence change creates a premature translational stop signal (p.Val151Argfs*120) in the CDKN1C gene. It is expected to result in an absent or disrupted protein product. The frequency data for this variant in the population databases is considered unreliable, as metrics indicate insufficient coverage at this position in the ExAC database. This variant has not been reported in the literature in individuals with CDKN1C-related conditions. Loss-of-function variants in CDKN1C are known to be pathogenic (PMID: 20503313).

Literature cited by the submitters: PubMed 20503313.